The following is an entry in ClinVar:

NM_000051.4(ATM):c.6817A>T (p.Arg2273Trp)

Genes: ATM (ATM serine/threonine kinase; plus strand), C11orf65 (chromosome 11 open reading frame 65; minus strand). Cytogenetic location: 11q22.3.
Variant type: single nucleotide variant.
Coding change: c.6817A>T on transcript NM_000051.4 (MANE Select); coding-DNA position 6817, A replaced by T.
Protein change: p.Arg2273Trp; replaces arginine 2273 with tryptophan.
Molecular consequence: missense variant. On other transcripts: intron variant (2).
Genome position (GRCh38, 1-based): chr11:108,326,067, A>T. VCF-style: chr11-108326067-A-T. GRCh37 (hg19) VCF-style: chr11-108196794-A-T.
Other names: c.6817A>T, p.Arg2273Trp (NM_001351834.2); c.641-16996T>A (NM_001330368.2); c.*38+9153T>A (NM_001351110.2); short protein forms R2273W.
Identifiers: ClinVar variation 4167807 (VCV004167807.1).
Genomic context (GRCh38, chr11:108,326,067, plus strand): 5'-AGTAGTATCAGTAGTAAAAGTATTTATTCCCATATGTCATTTTCATTTCAGCTCCCTGAA[A>T]GGGCAATATTTCAAATTAAACAGTACAATTCAGTTAGCTGTGGAGTCTCTGAGTGGCAGC-3'
Protein context (NP_000042.3, residues 2263-2283): RTFKNTQLPE[Arg2273Trp]AIFQIKQYNS

ClinVar aggregate classification (germline): Uncertain significance (1 of 4 stars; one submission).

Conditions:
Hereditary cancer-predisposing syndrome. Also called: Neoplastic Syndromes, Hereditary; Tumor predisposition; Hereditary neoplastic syndrome; Hereditary Cancer Syndrome. Identifiers: Orphanet 140162, MedGen C0027672, MeSH D009386, MONDO:0015356.

Submission:

Ambry Genetics
Classification: Uncertain significance for Hereditary cancer-predisposing syndrome. Last evaluated: 2025-07-30. Review status: criteria provided, single submitter. Criteria: Ambry Variant Classification Scheme 2023. Collection method: clinical testing. Allele origin: germline.
Comment: The p.R2273W variant (also known as c.6817A>T), located in coding exon 46 of the ATM gene, results from an A to T substitution at nucleotide position 6817. The arginine at codon 2273 is replaced by tryptophan, an amino acid with dissimilar properties. This amino acid position is well conserved in available vertebrate species. In addition, the in silico prediction for this alteration is inconclusive. Based on the available evidence, the clinical significance of this variant remains unclear.